The following is an entry in ClinVar:

ClinVar aggregate classification (germline): Uncertain significance (1 of 4 stars; one submission).

Submission:

GeneDx
Classification: Uncertain significance. Last evaluated: 2025-02-25. Review status: criteria provided, single submitter. Criteria: GeneDx Variant Classification Process June 2021. Collection method: clinical testing. Allele origin: germline. Affected: yes.
Comment: Not observed at significant frequency in large population cohorts (gnomAD); In silico analysis indicates that this missense variant does not alter protein structure/function; Has not been previously published as pathogenic or benign to our knowledge

NM_001127173.3(CADM3):c.932A>T (p.Tyr311Phe)

Genes: CADM3 (cell adhesion molecule 3; plus strand), CADM3-AS1 (CADM3 antisense RNA 1; minus strand). Cytogenetic location: 1q23.2.
Variant type: single nucleotide variant.
Coding change: c.932A>T on transcript NM_001127173.3 (MANE Select); coding-DNA position 932, A replaced by T.
Protein change: p.Tyr311Phe; replaces tyrosine 311 with phenylalanine.
Molecular consequence: missense variant. On other transcripts: non-coding transcript variant (1).
Genome position (GRCh38, 1-based): chr1:159,197,040, A>T. VCF-style: chr1-159197040-A-T. GRCh37 (hg19) VCF-style: chr1-159166830-A-T.
Other names: c.794A>T, p.Tyr265Phe (NM_001346510.2); c.1034A>T, p.Tyr345Phe (NM_021189.5); short protein forms Y265F, Y311F, Y345F.
Identifiers: ClinVar variation 4076552 (VCV004076552.1).